The following is an entry in ClinVar:

ClinVar aggregate classification (germline): Uncertain significance (1 of 4 stars; one submission).

Conditions:
Congenital multicore myopathy with external ophthalmoplegia (CMYO1B). Also called: MULTIMINICORE DISEASE WITH EXTERNAL OPHTHALMOPLEGIA; MULTICORE MYOPATHY; Minicore myopathy with external ophthalmoplegia; Congenital myopathy 1B, autosomal recessive; Minicore myopathy. Identifiers: Orphanet 598, Orphanet 98905, MedGen C1850674, MONDO:0009712, OMIM 255320, HP:0003789.
King Denborough syndrome (KDS). Identifiers: MedGen C1840365, MONDO:0020485, OMIM 619542.
Malignant hyperthermia, susceptibility to, 1 (MHS1). Also called: Malignant hyperthermia suceptibility 1; RYR1-Related Malignant Hyperthermia Susceptibility; Anesthesia related hyperthermia; Malignant hyperpyrexia; Fulminating hyperpyrexia; Pharmacogenic myopathy. Identifiers: Orphanet 423, MedGen C2930980, MONDO:0007783, OMIM 145600.
Central core myopathy (CMYO1A). Also called: CONGENITAL MYOPATHY 1A, AUTOSOMAL DOMINANT, WITH SUSCEPTIBILITY TO MALIGNANT HYPERTHERMIA; Central core disease; Myopathy, central fibrillar. Identifiers: Orphanet 597, MedGen C5830701, MONDO:0007294, OMIM 117000.

Submission:

Juno Genomics, Hangzhou Juno Genomics, Inc
Classification: Uncertain significance for Malignant hyperthermia, susceptibility to, 1; Central core myopathy; Congenital multicore myopathy with external ophthalmoplegia; King Denborough syndrome. Review status: criteria provided, single submitter. Criteria: ACMG Guidelines, 2015. Collection method: clinical testing. Allele origin: germline.
Comment: Absent from controls (or at extremely low frequency if recessive) in Genome Aggregation Database.;Protein length changes due to in-frame deletions/insertions in a non-repeat region or stop-loss variants.

NM_000540.3(RYR1):c.10356_10358del (p.Lys3452_Arg3453delinsAsn)

Gene: RYR1 (ryanodine receptor 1; plus strand). Cytogenetic location: 19q13.2.
Variant type: Deletion.
Coding change: c.10356_10358del on transcript NM_000540.3 (MANE Select); coding-DNA positions 10356 to 10358, 3 bases deleted (GCG; older notation c.10356_10358delGCG).
Protein change: p.Lys3452_Arg3453delinsAsn.
Molecular consequence: inframe indel.
Genome position (GRCh38, 1-based): chr19:38,523,225-38,523,227, GCG deleted. VCF-style (leftmost placement, unchanged base first): chr19-38523224-AGCG-A. GRCh37 (hg19) VCF-style: chr19-39013864-AGCG-A.
Other names: c.10356_10358del, p.Lys3452_Arg3453delinsAsn (NM_001042723.2).
Identifiers: ClinVar variation 5019689 (VCV005019689.2).